The following is an entry in ClinVar:

ClinVar aggregate classification (germline): Conflicting classifications of pathogenicity. Review status: criteria provided, conflicting classifications (1 of 4 stars). 24 submissions from 20 submitters: Uncertain significance (3); Benign (8); Likely benign (8). 5 of the submissions do not count toward it. Last evaluated 2026-06-01.

Conditions:
Cardiovascular phenotype. Identifiers: MedGen CN230736.
Dilated cardiomyopathy 1G (CMD1G). Identifiers: Orphanet 154, MedGen C1858763, MONDO:0011400, OMIM 604145.
Autosomal recessive limb-girdle muscular dystrophy type 2J (LGMDR10). Also called: MUSCULAR DYSTROPHY, LIMB-GIRDLE, AUTOSOMAL RECESSIVE 10; Limb-girdle muscular dystrophy, type 2J. Identifiers: Orphanet 140922, MedGen C1837342, MONDO:0012127, OMIM 608807.
Cardiomyopathy (CMYO). Also called: Cardiomyopathies. Identifiers: Orphanet 167848, MedGen C0878544, MONDO:0004994, HP:0001638. Inheritance: Various modes of inheritance.
Early-onset myopathy with fatal cardiomyopathy (CMYO5). Also called: CONGENITAL MYOPATHY 5 WITH CARDIOMYOPATHY; Salih Myopathy. Identifiers: Orphanet 289377, MedGen C2673677, MONDO:0012714, OMIM 611705. Disease mechanism: loss of function.
Myopathy, myofibrillar, 9, with early respiratory failure (MFM9). Also called: Myopathy, distal, with early respiratory failure, autosomal dominant; Hereditary myopathy with early respiratory failure; MYOPATHY, PROXIMAL, WITH EARLY RESPIRATORY MUSCLE INVOLVEMENT; EDSTROM MYOPATHY. Identifiers: Orphanet 178464, Orphanet 34521, MedGen C1863599, MONDO:0011362, OMIM 603689.
Tibial muscular dystrophy (TMD). Also called: Udd Distal Myopathy – Tibial Muscular Dystrophy; Tibial muscular dystrophy, tardive; UDD MYOPATHY. Identifiers: Orphanet 609, MedGen C1838244, MONDO:0010870, OMIM 600334.

Allele frequency attached by ClinVar (database versions not stated): 1000 Genomes Project 0.00040; 1000 Genomes Project 30x 0.00047; TOPMed 0.00120; gnomAD exomes 0.00101 and 0.00221; gnomAD 0.00117 and 0.00120; ESP Exome Variant Server 0.00099; ExAC 0.00108.
gnomAD v4.1: 3,371 of 1,612,084 alleles (0.21%); highest among the groups gnomAD compares: Non-Finnish European, 0.26%; 8 homozygotes.

Submissions (24):

CeGaT Center for Human Genetics Tuebingen
Classification: Likely benign. Last evaluated: 2026-06-01. Review status: criteria provided, single submitter. Criteria: CeGaT Center For Human Genetics Tuebingen Variant Classification Criteria Version 2. Collection method: clinical testing. Allele origin: germline. Affected: yes. Observed: 15 variant alleles.
Comment: TTN: BP4, BP7

Labcorp Genetics (formerly Invitae), Labcorp
Classification: Benign for Dilated cardiomyopathy 1G; Autosomal recessive limb-girdle muscular dystrophy type 2J. Last evaluated: 2026-02-03. Review status: criteria provided, single submitter. Criteria: Invitae Variant Classification Sherloc (09022015). Collection method: clinical testing. Allele origin: germline.

Mayo Clinic Laboratories, Mayo Clinic
Classification: Likely benign. Last evaluated: 2025-10-22. Review status: criteria provided, single submitter. Criteria: ACMG Guidelines, 2015. Collection method: clinical testing. Allele origin: germline. Observed: 12 variant alleles.
Comment: BP4, BP7

Molecular Diagnostic Laboratory for Inherited Cardiovascular Disease, Montreal Heart Institute
Classification: Benign. Last evaluated: 2025-04-09. Review status: criteria provided, single submitter. Criteria: ACMG Guidelines, 2015. Collection method: clinical testing. Allele origin: germline. Affected: no.

Blueprint Genetics
Classification: Likely benign. Last evaluated: 2024-11-22. Review status: criteria provided, single submitter. Criteria: ACMG Guidelines, 2015. Collection method: clinical testing. Allele origin: germline.

ARUP Laboratories, Molecular Genetics and Genomics, ARUP Laboratories
Classification: Likely benign. Last evaluated: 2024-11-06. Review status: criteria provided, single submitter. Criteria: ARUP Molecular Germline Variant Investigation Process 2024. Collection method: clinical testing. Allele origin: germline.

Athena Diagnostics
Classification: Benign. Last evaluated: 2024-07-30. Review status: criteria provided, single submitter. Criteria: Athena Diagnostics Criteria. Collection method: clinical testing. Allele origin: unknown.

Women's Health and Genetics/Laboratory Corporation of America, LabCorp
Classification: Benign. Last evaluated: 2020-01-19. Review status: criteria provided, single submitter. Criteria: LabCorp Variant Classification Summary - May 2015. Collection method: clinical testing. Allele origin: germline.

Illumina Laboratory Services, Illumina
Classification: Uncertain significance for Early-onset myopathy with fatal cardiomyopathy. Last evaluated: 2018-01-12. Review status: criteria provided, single submitter. Criteria: ICSL Variant Classification Criteria 13 December 2019. Collection method: clinical testing. Allele origin: germline.

Illumina Laboratory Services, Illumina
Classification: Benign for Myopathy, myofibrillar, 9, with early respiratory failure. Last evaluated: 2018-01-12. Review status: criteria provided, single submitter. Criteria: ICSL Variant Classification Criteria 13 December 2019. Collection method: clinical testing. Allele origin: germline.
Comment: This variant was observed in the ICSL laboratory as part of a predisposition screen in an ostensibly healthy population. It had not been previously curated by ICSL or reported in the Human Gene Mutation Database (HGMD: prior to June 1st, 2018), and was therefore a candidate for classification through an automated scoring system. Utilizing variant allele frequency, disease prevalence and penetrance estimates, and inheritance mode, an automated score was calculated to assess if this variant is too frequent to cause the disease. Based on the score and internal cut-off values, a variant classified as benign is not then subjected to further curation. The score for this variant resulted in a classification of benign for this disease.

Illumina Laboratory Services, Illumina
Classification: Uncertain significance for Dilated cardiomyopathy 1G. Last evaluated: 2018-01-12. Review status: criteria provided, single submitter. Criteria: ICSL Variant Classification Criteria 13 December 2019. Collection method: clinical testing. Allele origin: germline.

Illumina Laboratory Services, Illumina
Classification: Uncertain significance for Autosomal recessive limb-girdle muscular dystrophy type 2J. Last evaluated: 2018-01-12. Review status: criteria provided, single submitter. Criteria: ICSL Variant Classification Criteria 13 December 2019. Collection method: clinical testing. Allele origin: germline.

Illumina Laboratory Services, Illumina
Classification: Benign for Tibial muscular dystrophy. Last evaluated: 2018-01-12. Review status: criteria provided, single submitter. Criteria: ICSL Variant Classification Criteria 13 December 2019. Collection method: clinical testing. Allele origin: germline.
Comment: the same text as in the submission from Illumina Laboratory Services, Illumina above.

CHEO Genetics Diagnostic Laboratory, Children's Hospital of Eastern Ontario
Classification: Benign for Cardiomyopathy. Last evaluated: 2017-12-20. Review status: criteria provided, single submitter. Criteria: ACMG Guidelines, 2015. Collection method: clinical testing. Allele origin: germline.

Genetic Services Laboratory, University of Chicago
Classification: Likely benign. Last evaluated: 2016-09-20. Review status: criteria provided, single submitter. Criteria: ACMG Guidelines, 2015. Collection method: clinical testing. Allele origin: germline. Affected: no.

Ambry Genetics
Classification: Likely benign for Cardiovascular phenotype. Last evaluated: 2015-08-12. Review status: criteria provided, single submitter. Criteria: Ambry Variant Classification Scheme 2023. Collection method: clinical testing. Allele origin: germline.

Eurofins Ntd Llc (ga)
Classification: Likely benign. Last evaluated: 2015-07-20. Review status: criteria provided, single submitter. Criteria: EGL Classification Definitions 2015. Collection method: clinical testing. Allele origin: germline. Observed: 1 variant allele, 1 heterozygote.

GeneDx
Classification: Benign. Last evaluated: 2014-02-17. Review status: criteria provided, single submitter. Criteria: GeneDx Variant Classification (06012015). Collection method: clinical testing. Allele origin: germline. Affected: yes.
Comment: This variant is considered likely benign or benign based on one or more of the following criteria: it is a conservative change, it occurs at a poorly conserved position in the protein, it is predicted to be benign by multiple in silico algorithms, and/or has population frequency not consistent with disease.

Laboratory for Molecular Medicine, Mass General Brigham Personalized Medicine
Classification: Likely benign. Last evaluated: 2012-07-10. Review status: criteria provided, single submitter. Criteria: LMM Criteria. Collection method: clinical testing. Allele origin: germline. Observed: 6 variant alleles.
Comment: p.Leu29048Leu in exon 291 of TTN: This variant is not expected to have clinical significance because it does not alter an amino acid residue and is not located within the splice consensus sequence. It has been identified in 0.1% (12/8274) o f European American chromosomes from a broad population by the NHLBI Exome Seque ncing Project (dbSNP rs72648255).

Clinical Genetics DNA and cytogenetics Diagnostics Lab, Erasmus MC, Erasmus Medical Center
Classification: Likely benign. Review status: no assertion criteria provided. Collection method: clinical testing. Allele origin: germline. Affected: yes. Study: VKGL Data-share Consensus. Not counted in ClinVar's aggregate classification.

Clinical Genetics, Academic Medical Center
Classification: Benign. Review status: no assertion criteria provided. Collection method: clinical testing. Allele origin: germline. Affected: yes. Study: VKGL Data-share Consensus. Not counted in ClinVar's aggregate classification.

Diagnostic Laboratory, Department of Genetics, University Medical Center Groningen
Classification: Likely benign. Review status: no assertion criteria provided. Collection method: clinical testing. Allele origin: germline. Affected: yes. Study: VKGL Data-share Consensus. Not counted in ClinVar's aggregate classification.

Genome Diagnostics Laboratory, University Medical Center Utrecht
Classification: Likely benign. Review status: no assertion criteria provided. Collection method: clinical testing. Allele origin: germline. Affected: yes. Study: VKGL Data-share Consensus. Not counted in ClinVar's aggregate classification.

Joint Genome Diagnostic Labs from Nijmegen and Maastricht, Radboudumc and MUMC+
Classification: Benign. Review status: no assertion criteria provided. Collection method: clinical testing. Allele origin: germline. Affected: yes. Study: VKGL Data-share Consensus. Not counted in ClinVar's aggregate classification.

Literature cited by the submitters: PubMed 37904629 (cited by Athena Diagnostics).

NM_001267550.2(TTN):c.94846C>T (p.Leu31616=)

Genes: TTN-AS1 (TTN antisense RNA 1; plus strand), TTN (titin; minus strand). Cytogenetic location: 2q31.2.
Variant type: single nucleotide variant.
Coding change: c.94846C>T on transcript NM_001267550.2 (MANE Select); coding-DNA position 94846, C replaced by T.
Protein change: p.Leu31616=; no amino-acid change (leucine 31616 retained).
Molecular consequence: synonymous variant.
Genome position (GRCh38, 1-based): chr2:178,546,485, G>A on the plus strand (C>T on the coding strand, the complement: TTN is on the minus strand). VCF-style: chr2-178546485-G-A. GRCh37 (hg19) VCF-style: chr2-179411212-G-A.
Other names: p.L29975L:CTG>TTG; p.Leu29048=; c.89923C>T, p.Leu29975= (NM_001256850.1); c.67651C>T, p.Leu22551= (NM_003319.4); c.87142C>T, p.Leu29048= (NM_133378.4); c.68026C>T, p.Leu22676= (NM_133432.3); c.68227C>T, p.Leu22743= (NM_133437.4).
Identifiers: ClinVar variation 47544 (VCV000047544.80), dbSNP rs72648255, ClinGen allele CA284090.
Genomic context (GRCh38, chr2:178,546,485, plus strand): 5'-CCAGAACAAGATCAGAACCTGCTCTGATGGTAACCAGATCACCGTGTAATCGGGCATCCA[G>A]TTCGGCTTTGGGTGGAGCTGTCAGTAGGCAAAACAGATATGAATGAATATCTGAGAGTTT-3'
Protein context (NP_001254479.2, residues 31606-31626): RDEYAPPKAE[Leu31616=]DARLHGDLVT